The following is an entry in ClinVar:

NM_001615.4(ACTG2):c.981G>T (p.Lys327Asn)

Gene: ACTG2 (actin gamma 2, smooth muscle; plus strand). Cytogenetic location: 2p13.1.
Variant type: single nucleotide variant.
Coding change: c.981G>T on transcript NM_001615.4 (MANE Select); coding-DNA position 981, G replaced by T.
Protein change: p.Lys327Asn; replaces lysine 327 with asparagine.
Molecular consequence: missense variant.
Genome position (GRCh38, 1-based): chr2:73,916,759, G>T. VCF-style: chr2-73916759-G-T. GRCh37 (hg19) VCF-style: chr2-74143886-G-T.
Other names: c.852G>T, p.Lys284Asn (NM_001199893.2); short protein forms K284N, K327N.
Identifiers: ClinVar variation 1339480 (VCV001339480.1), dbSNP rs2104825219, ClinGen allele CA347304936.

ClinVar aggregate classification (germline): Uncertain significance (1 of 4 stars; one submission).

Conditions:
Intestinal pseudo-obstruction. Also called: Hollow visceral myopathy. Identifiers: MedGen C0021847, MONDO:0002803, HP:0004389.

Submission:

Seattle Children's Hospital Molecular Genetics Laboratory, Seattle Children's Hospital
Classification: Uncertain significance for Intestinal pseudo-obstruction. Review status: criteria provided, single submitter. Criteria: ACMG Guidelines, 2015. Collection method: clinical testing. Allele origin: unknown. Inheritance: Autosomal dominant inheritance. Affected: yes.
Comment: The ACTG2 p.Lys327Asn variant substitutes the lysine at position 327 with asparagine. This variant has not been observed in large population studies (Genome Aggregation Database). To our knowledge, this variant has also not been reported in the medical literature or ClinVar database in clinically affected individuals. The p.Lys327Asn change is predicted to be damaging to protein function by multiple in silico tools, but these predictions have not been confirmed by functional studies.